The following is an entry in ClinVar:

ClinVar aggregate classification (germline): Uncertain significance (1 of 4 stars; one submission).

Conditions:
Malignant hyperthermia, susceptibility to, 1 (MHS1). Also called: RYR1-Related Malignant Hyperthermia Susceptibility; Malignant hyperthermia suceptibility 1; Anesthesia related hyperthermia; Malignant hyperpyrexia; Fulminating hyperpyrexia; Pharmacogenic myopathy. Identifiers: Orphanet 423, MedGen C2930980, MONDO:0007783, OMIM 145600.

Submission:

Color Diagnostics, LLC DBA Color Health
Classification: Uncertain significance for Malignant hyperthermia, susceptibility to, 1. Last evaluated: 2025-06-30. Review status: criteria provided, single submitter. Criteria: ACMG Guidelines, 2015. Collection method: clinical testing. Allele origin: germline.
Comment: This variant causes a C to T nucleotide substitution at the +4 position of intron 18/105 of the RYR1 gene. To our knowledge, functional studies have not been reported for this variant. This variant has not been reported in individuals affected with RYR1-related disorders in the literature. This variant has not been identified in the general population by the Genome Aggregation Database (gnomAD). The available evidence is insufficient to determine the role of this variant in disease conclusively. Therefore, this variant is classified as a Variant of Uncertain Significance.

NM_000540.3(RYR1):c.2167+4C>T

Gene: RYR1 (ryanodine receptor 1; plus strand). Cytogenetic location: 19q13.2.
Variant type: single nucleotide variant.
Coding change: c.2167+4C>T on transcript NM_000540.3 (MANE Select); 4 bases into the intron after coding-DNA position 2167, C replaced by T.
Molecular consequence: intron variant.
Genome position (GRCh38, 1-based): chr19:38,458,296, C>T. VCF-style: chr19-38458296-C-T. GRCh37 (hg19) VCF-style: chr19-38948936-C-T.
Other names: c.2167+4C>T (NM_001042723.2).
Identifiers: ClinVar variation 4757629 (VCV004757629.1).